The following is an entry in ClinVar:

NC_000001.11:g.40309992del

Gene: COL9A2 (collagen type IX alpha 2 chain; minus strand). Cytogenetic location: 1p34.2.
Variant type: Deletion.
Genome position: GRCh38 VCF-style: chr1-40309989-AC-A. GRCh37 (hg19) VCF-style: chr1-40775661-AC-A.
Identifiers: ClinVar variation 1976006 (VCV001976006.5), dbSNP rs1644094173, ClinGen allele CA1164338879.

ClinVar aggregate classification (germline): Pathogenic (1 of 4 stars; one submission).

Submission:

Labcorp Genetics (formerly Invitae), Labcorp
Classification: Pathogenic. Last evaluated: 2024-02-20. Review status: criteria provided, single submitter. Criteria: Invitae Variant Classification Sherloc (09022015). Collection method: clinical testing. Allele origin: germline.
Comment: This sequence change creates a premature translational stop signal (p.Gly265Valfs*53) in the COL9A2 gene. It is expected to result in an absent or disrupted protein product. Loss-of-function variants in COL9A2 are known to be pathogenic (PMID: 21671392, 33356723). This variant is not present in population databases (gnomAD no frequency). This variant has not been reported in the literature in individuals affected with COL9A2-related conditions. ClinVar contains an entry for this variant (Variation ID: 1976006). For these reasons, this variant has been classified as Pathogenic.

Literature cited by the submitters: PubMed 21671392; PubMed 33356723.